The following is an entry in ClinVar:

NM_001384140.1(PCDH15):c.330C>T (p.Asn110=)

Gene: PCDH15 (protocadherin related 15; minus strand). Cytogenetic location: 10q21.1.
Variant type: single nucleotide variant.
Coding change: c.330C>T on transcript NM_001384140.1 (MANE Select); coding-DNA position 330, C replaced by T.
Protein change: p.Asn110=; no amino-acid change (asparagine 110 retained).
Molecular consequence: synonymous variant.
Genome position (GRCh38, 1-based): chr10:54,369,264, G>A on the plus strand (C>T on the coding strand, the complement: PCDH15 is on the minus strand). VCF-style: chr10-54369264-G-A. GRCh37 (hg19) VCF-style: chr10-56129024-G-A.
Other names: c.345C>T, p.Asn115= (NM_001142763.2, NM_001142769.4, NM_001142771.2); c.330C>T, p.Asn110= (NM_001142764.2, NM_001142765.2, NM_001142766.2 and 8 more transcripts); c.264C>T, p.Asn88= (NM_001142768.2, NM_001142773.2, NM_001354404.2).
Identifiers: ClinVar variation 46463 (VCV000046463.23), dbSNP rs146796009, ClinGen allele CA138410.

ClinVar aggregate classification (germline): Conflicting classifications of pathogenicity. Review status: criteria provided, conflicting classifications (1 of 4 stars). 6 submissions from 6 submitters: Uncertain significance (1); Likely benign (5). Last evaluated 2026-01-09.

Conditions:
PCDH15-related disorder. Also called: PCDH15-related disorders; PCDH15-related condition.

Allele frequency attached by ClinVar (database versions not stated): gnomAD exomes 0.00003 and 0.00010; ExAC 0.00015; 1000 Genomes Project 30x 0.00031; TOPMed 0.00039; 1000 Genomes Project 0.00040; gnomAD 0.00040 and 0.00045; ESP Exome Variant Server 0.00069.
gnomAD v4.1: 113 of 1,612,476 alleles (0.007%); highest among the groups gnomAD compares: African/African-American, 0.14%; no homozygotes.

Submissions (6):

Labcorp Genetics (formerly Invitae), Labcorp
Classification: Likely benign. Last evaluated: 2026-01-09. Review status: criteria provided, single submitter. Criteria: Invitae Variant Classification Sherloc (09022015). Collection method: clinical testing. Allele origin: germline.

PreventionGenetics, part of Exact Sciences
Classification: Likely benign for PCDH15-related condition. Last evaluated: 2024-10-18. Review status: criteria provided, single submitter. Criteria: ACMG Guidelines, 2015. Collection method: clinical testing. Allele origin: germline.
Comment: This variant is classified as likely benign based on ACMG/AMP sequence variant interpretation guidelines (Richards et al. 2015 PMID: 25741868, with internal and published modifications).

Blueprint Genetics
Classification: Likely benign. Last evaluated: 2024-07-30. Review status: criteria provided, single submitter. Criteria: ACMG Guidelines, 2015. Collection method: clinical testing. Allele origin: germline.

GeneDx
Classification: Likely benign. Last evaluated: 2019-07-22. Review status: criteria provided, single submitter. Criteria: GeneDx Variant Classification Process June 2021. Collection method: clinical testing. Allele origin: germline. Affected: yes.

Eurofins Ntd Llc (ga)
Classification: Uncertain significance. Last evaluated: 2016-12-08. Review status: criteria provided, single submitter. Criteria: EGL Classification Definitions 2015. Collection method: clinical testing. Allele origin: germline. Observed: 1 variant allele, 1 heterozygote.

Laboratory for Molecular Medicine, Mass General Brigham Personalized Medicine
Classification: Likely benign. Last evaluated: 2012-04-30. Review status: criteria provided, single submitter. Criteria: LMM Criteria. Collection method: clinical testing. Allele origin: germline. Observed: 1 variant allele.
Comment: Asn110Asn in Exon 05 of PCDH15: This variant is not expected to have clinical si gnificance because it does not alter an amino acid residue, is not located withi n the splice consensus sequence, and has been identified in 0.2% (8/3738) of Afr ican American chromosomes from a broad population by the NHLBI Exome Sequencing Project (dbSNP rs146796009).